The following is an entry in ClinVar:

NM_000170.3(GLDC):c.624G>T (p.Gln208His)

Gene: GLDC (glycine decarboxylase; minus strand). Cytogenetic location: 9p24.1.
Variant type: single nucleotide variant.
Coding change: c.624G>T on transcript NM_000170.3 (MANE Select); coding-DNA position 624, G replaced by T.
Protein change: p.Gln208His; replaces glutamine 208 with histidine.
Molecular consequence: missense variant.
Genome position (GRCh38, 1-based): chr9:6,610,203, C>A on the plus strand (G>T on the coding strand, the complement: GLDC is on the minus strand). VCF-style: chr9-6610203-C-A. GRCh37 (hg19) VCF-style: chr9-6610203-C-A.
Other names: short protein forms Q208H.
Identifiers: ClinVar variation 936485 (VCV000936485.10), dbSNP rs1385183318, ClinGen allele CA372898138.

ClinVar aggregate classification (germline): Uncertain significance. Review status: criteria provided, single submitter (1 of 4 stars). 2 submissions from 2 submitters: Uncertain significance (1). 1 of the submissions does not count toward it. Last evaluated 2022-07-12.

Conditions:
Glycine encephalopathy. Also called: Nonketotic hyperglycinemia; Non-ketotic hyperglycinemia. Identifiers: Orphanet 407, MedGen C0751748, MONDO:0011612, HP:0008288.

Submissions (2):

Labcorp Genetics (formerly Invitae), Labcorp
Classification: Uncertain significance for Glycine encephalopathy. Last evaluated: 2022-07-12. Review status: criteria provided, single submitter. Criteria: Invitae Variant Classification Sherloc (09022015). Collection method: clinical testing. Allele origin: germline.
Comment: In summary, the available evidence is currently insufficient to determine the role of this variant in disease. Therefore, it has been classified as a Variant of Uncertain Significance. Advanced modeling of protein sequence and biophysical properties (such as structural, functional, and spatial information, amino acid conservation, physicochemical variation, residue mobility, and thermodynamic stability) performed at Invitae indicates that this missense variant is not expected to disrupt GLDC protein function. ClinVar contains an entry for this variant (Variation ID: 936485). This variant has not been reported in the literature in individuals affected with GLDC-related conditions. This variant is not present in population databases (gnomAD no frequency). This sequence change replaces glutamine, which is neutral and polar, with histidine, which is basic and polar, at codon 208 of the GLDC protein (p.Gln208His).

Natera, Inc.
Classification: Uncertain significance for Non-ketotic hyperglycinemia. Last evaluated: 2020-01-24. Review status: no assertion criteria provided. Collection method: clinical testing. Allele origin: germline. Not counted in ClinVar's aggregate classification.